The following is an entry in ClinVar:

NM_000548.5(TSC2):c.1643G>C (p.Arg548Thr)

Gene: TSC2 (TSC complex subunit 2; plus strand). Cytogenetic location: 16p13.3.
Variant type: single nucleotide variant.
Coding change: c.1643G>C on transcript NM_000548.5 (MANE Select); coding-DNA position 1643, G replaced by C.
Protein change: p.Arg548Thr; replaces arginine 548 with threonine.
Molecular consequence: missense variant.
Genome position (GRCh38, 1-based): chr16:2,065,562, G>C. VCF-style: chr16-2065562-G-C. GRCh37 (hg19) VCF-style: chr16-2115563-G-C.
Other names: c.1643G>C, p.Arg548Thr (NM_001077183.3, NM_001114382.3, NM_001363528.2 and 3 more transcripts); c.1532G>C, p.Arg511Thr (NM_001318827.2); c.1496G>C, p.Arg499Thr (NM_001318829.2); c.1043G>C, p.Arg348Thr (NM_001318831.2); c.1676G>C, p.Arg559Thr (NM_001318832.2); c.1643G>C (NM_000548.4); short protein forms R548T, R348T, R499T, R511T, R559T.
Identifiers: ClinVar variation 535863 (VCV000535863.26), dbSNP rs748938385, ClinGen allele CA276731085.

ClinVar aggregate classification (germline): Conflicting classifications of pathogenicity. Review status: criteria provided, conflicting classifications (1 of 4 stars). 6 submissions from 6 submitters: Uncertain significance (5); Benign (1). Last evaluated 2025-08-31.

Conditions:
Hereditary cancer-predisposing syndrome. Also called: Hereditary Cancer Syndrome; Tumor predisposition; Neoplastic Syndromes, Hereditary; Hereditary neoplastic syndrome. Identifiers: Orphanet 140162, MedGen C0027672, MeSH D009386, MONDO:0015356.
Tuberous sclerosis syndrome (TSC). Also called: Tuberous Sclerosis Complex; Tuberous sclerosis. Identifiers: Orphanet 805, MedGen C0041341, MONDO:0001734.
TSC2-related disorder. Also called: TSC2-related condition; TSC2-Related Disorders.
Tuberous sclerosis 2 (TSC2). Identifiers: Orphanet 805, MedGen C1860707, MONDO:0013199, OMIM 613254.

Submissions (6):

Labcorp Genetics (formerly Invitae), Labcorp
Classification: Benign for Tuberous sclerosis 2. Last evaluated: 2025-08-31. Review status: criteria provided, single submitter. Criteria: Invitae Variant Classification Sherloc (09022015). Collection method: clinical testing. Allele origin: germline.

CeGaT Center for Human Genetics Tuebingen
Classification: Uncertain significance. Last evaluated: 2025-03-01. Review status: criteria provided, single submitter. Criteria: CeGaT Center For Human Genetics Tuebingen Variant Classification Criteria Version 2. Collection method: clinical testing. Allele origin: germline. Affected: yes. Observed: 1 variant allele.
Comment: TSC2: PM2

Ambry Genetics
Classification: Uncertain significance for Hereditary cancer-predisposing syndrome. Last evaluated: 2024-07-09. Review status: criteria provided, single submitter. Criteria: Ambry Variant Classification Scheme 2023. Collection method: clinical testing. Allele origin: germline.
Comment: The p.R548T variant (also known as c.1643G>C), located in coding exon 15 of the TSC2 gene, results from a G to C substitution at nucleotide position 1643. The arginine at codon 548 is replaced by threonine, an amino acid with similar properties. This amino acid position is well conserved in available vertebrate species. In addition, the in silico prediction for this alteration is inconclusive. Based on the available evidence, the clinical significance of this variant remains unclear.

All of Us Research Program, National Institutes of Health
Classification: Uncertain significance for Tuberous sclerosis syndrome. Last evaluated: 2023-11-30. Review status: criteria provided, single submitter. Criteria: ACMG Guidelines, 2015. Collection method: clinical testing. Allele origin: germline. Inheritance: Autosomal dominant inheritance. Observed: 1 variant allele, 1 heterozygote.
Comment: This study involves interpretation of variants in research participants for the purpose of population health screening. Participant phenotype was not available at the time of variant classification. Additional details can be found in publication PMID: 35346344, PMCID: PMC8962531

PreventionGenetics, part of Exact Sciences
Classification: Uncertain significance for TSC2-related condition. Last evaluated: 2023-02-06. Review status: criteria provided, single submitter. Criteria: ACMG Guidelines, 2015. Collection method: clinical testing. Allele origin: germline.
Comment: The TSC2 c.1643G>C variant is predicted to result in the amino acid substitution p.Arg548Thr. To our knowledge, this variant has not been reported in the literature or in a large population database, indicating this variant is rare. At this time, the clinical significance of this variant is uncertain due to the absence of conclusive functional and genetic evidence.

Genome-Nilou Lab
Classification: Uncertain significance for Tuberous sclerosis 2. Last evaluated: 2021-11-07. Review status: criteria provided, single submitter. Criteria: ACMG Guidelines, 2015. Collection method: clinical testing. Allele origin: germline. Affected: no.